The following is an entry in ClinVar:

NM_022051.3(EGLN1):c.974C>T (p.Thr325Ile)

Gene: EGLN1 (egl-9 family hypoxia inducible factor 1; minus strand). Cytogenetic location: 1q42.2.
Variant type: single nucleotide variant.
Coding change: c.974C>T on transcript NM_022051.3 (MANE Select); coding-DNA position 974, C replaced by T.
Protein change: p.Thr325Ile; replaces threonine 325 with isoleucine.
Molecular consequence: missense variant.
Genome position (GRCh38, 1-based): chr1:231,374,017, G>A on the plus strand (C>T on the coding strand, the complement: EGLN1 is on the minus strand). VCF-style: chr1-231374017-G-A. GRCh37 (hg19) VCF-style: chr1-231509763-G-A.
Other names: c.974C>T, p.Thr325Ile (NM_001377260.1, NM_001377261.1); short protein forms T325I.
Identifiers: ClinVar variation 4247398 (VCV004247398.1).

ClinVar aggregate classification (germline): Uncertain significance (1 of 4 stars; one submission).

Submission:

Ambry Genetics
Classification: Uncertain significance. Last evaluated: 2025-08-10. Review status: criteria provided, single submitter. Criteria: Ambry Variant Classification Scheme 2023. Collection method: clinical testing. Allele origin: germline.
Comment: The p.T325I variant (also known as c.974C>T), located in coding exon 2 of the EGLN1 gene, results from a C to T substitution at nucleotide position 974. The threonine at codon 325 is replaced by isoleucine, an amino acid with similar properties. This amino acid position is conserved. In addition, this alteration is predicted to be deleterious by in silico analysis. Based on the available evidence, the clinical significance of this variant remains unclear.